The following is an entry in ClinVar:

NC_000009.11:g.(?_138594085)_(139440258_?)dup

Genes: UBAC1 (UBA domain containing 1; minus strand), PMPCA (peptidase, mitochondrial processing subunit alpha; plus strand), QSOX2 (quiescin sulfhydryl oxidase 2; minus strand), SNAPC4 (small nuclear RNA activating complex polypeptide 4; minus strand), TMEM250 (transmembrane protein 250; minus strand) and 12 more. Cytogenetic location: 9q34.3.
Variant type: Duplication.
Identifiers: ClinVar variation 660707 (VCV000660707.2).

ClinVar aggregate classification (germline): Uncertain significance (1 of 4 stars; one submission).

Conditions:
Autosomal dominant nocturnal frontal lobe epilepsy 5. Also called: Epilepsy, nocturnal frontal lobe, 5; KCNT1-Related Epilepsy; CILIARY DYSKINESIA, PRIMARY, 28, WITHOUT SITUS INVERSUS; CILIARY DYSKINESIA, PRIMARY, 28, WITH SITUS INVERSUS. Identifiers: Orphanet 98784, MedGen C3554306, MONDO:0014002, OMIM 615005.
Developmental and epileptic encephalopathy, 14 (DEE14). Also called: Early infantile epileptic encephalopathy 14. Identifiers: Orphanet 293181, MedGen C3554195, MONDO:0013989, OMIM 614959.

Submission:

Labcorp Genetics (formerly Invitae), Labcorp
Classification: Uncertain significance for Epilepsy, nocturnal frontal lobe, 5; Early infantile epileptic encephalopathy 14. Last evaluated: 2019-01-14. Review status: criteria provided, single submitter. Criteria: Invitae Variant Classification Sherloc (09022015). Collection method: clinical testing. Allele origin: germline.
Comment: This variant results in a copy number gain of the genomic region encompassing the full coding sequence of the KCNT1 gene. The boundaries of this event are unknown as they extend beyond the assayed region for this gene and therefore may encompass additional genes. As the precise location of this event is unknown, it may be in tandem or it may be located elsewhere in the genome. This variant has been observed in one or more individuals who were not affected with epilepsy (Invitae). Experimental studies and prediction algorithms are not available for this variant, and the functional significance of the affected amino acid(s) is currently unknown. In summary, the available evidence is currently insufficient to determine the role of this variant in disease. Therefore, it has been classified as a Variant of Uncertain Significance.